The following is an entry in ClinVar:

ClinVar aggregate classification (germline): Likely benign (1 of 4 stars; one submission).

gnomAD v4.1: 1,218 of 1,614,102 alleles (0.075%); highest among the groups gnomAD compares: Non-Finnish European, 0.063%; 6 homozygotes.

Submission:

CeGaT Center for Human Genetics Tuebingen
Classification: Likely benign. Last evaluated: 2026-05-01. Review status: criteria provided, single submitter. Criteria: CeGaT Center For Human Genetics Tuebingen Variant Classification Criteria Version 2. Collection method: clinical testing. Allele origin: germline. Affected: yes. Observed: 3 variant alleles.
Comment: NOA1: BP4, BP7

NM_032313.4(NOA1):c.2031T>C (p.Tyr677=)

Gene: NOA1 (nitric oxide associated 1; minus strand). Cytogenetic location: 4q12.
Variant type: single nucleotide variant.
Coding change: c.2031T>C on transcript NM_032313.4 (MANE Select); coding-DNA position 2031, T replaced by C.
Protein change: p.Tyr677=; no amino-acid change (tyrosine 677 retained).
Molecular consequence: synonymous variant.
Genome position (GRCh38, 1-based): chr4:56,963,516, A>G on the plus strand (T>C on the coding strand, the complement: NOA1 is on the minus strand). VCF-style: chr4-56963516-A-G. GRCh37 (hg19) VCF-style: chr4-57829682-A-G.
Identifiers: ClinVar variation 4821362 (VCV004821362.4).
Genomic context (GRCh38, chr4:56,963,516, plus strand): 5'-ATTTATCTTTCCTTTCTTCTTCCTCACGTTGTACATAAGGGAAGGAGGCTTCTTGGTTTT[A>G]TAGGCCACACTTTTCTTGATGCGCTGTCCTTTGATGTTAACAATATATGGCAAGAGAGGG-3'
Protein context (NP_115689.1, residues 667-687): KGQRIKKSVA[Tyr677=]KTKKPPSLMY